The following is an entry in ClinVar:

NM_001365999.1(SZT2):c.4355C>T (p.Ser1452Phe)

Gene: SZT2 (SZT2 subunit of KICSTOR complex; plus strand). Cytogenetic location: 1p34.2.
Variant type: single nucleotide variant.
Coding change: c.4355C>T on transcript NM_001365999.1 (MANE Select); coding-DNA position 4355, C replaced by T.
Protein change: p.Ser1452Phe; replaces serine 1452 with phenylalanine.
Molecular consequence: missense variant.
Genome position (GRCh38, 1-based): chr1:43,430,057, C>T. VCF-style: chr1-43430057-C-T. GRCh37 (hg19) VCF-style: chr1-43895728-C-T.
Other names: c.4184C>T, p.Ser1395Phe (NM_015284.4); short protein forms S1452F, S1395F.
Identifiers: ClinVar variation 1738522 (VCV001738522.2), dbSNP rs746055312, ClinGen allele CA809257.

ClinVar aggregate classification (germline): Uncertain significance (1 of 4 stars; one submission).

Conditions:
Inborn genetic diseases. Identifiers: MedGen C0950123, MeSH D030342.

Allele frequency attached by ClinVar (database versions not stated): TOPMed below 0.00001; ExAC 0.00001; gnomAD 0.00001.
gnomAD v4.1: 1 of 1,614,066 alleles (0.000062%); highest among the groups gnomAD compares: Non-Finnish European, 0.000085%; no homozygotes.

Submission:

Ambry Genetics
Classification: Uncertain significance for Inborn genetic diseases. Last evaluated: 2019-05-10. Review status: criteria provided, single submitter. Criteria: Ambry Variant Classification Scheme 2023. Collection method: clinical testing. Allele origin: germline.
Comment: The p.S1395F variant (also known as c.4184C>T), located in coding exon 29 of the SZT2 gene, results from a C to T substitution at nucleotide position 4184. The serine at codon 1395 is replaced by phenylalanine, an amino acid with highly dissimilar properties. This amino acid position is highly conserved in available vertebrate species. In addition, the in silico prediction for this alteration is inconclusive. Since supporting evidence is limited at this time, the clinical significance of this alteration remains unclear.